The following is an entry in ClinVar:

NM_024652.6(LRRK1):c.5381C>T (p.Thr1794Met)

Genes: LRRK1 (leucine rich repeat kinase 1; plus strand), LRRK1-AS1 (LRRK1 antisense RNA 1; minus strand). Cytogenetic location: 15q26.3.
Variant type: single nucleotide variant.
Coding change: c.5381C>T on transcript NM_024652.6 (MANE Select); coding-DNA position 5381, C replaced by T.
Protein change: p.Thr1794Met; replaces threonine 1794 with methionine.
Molecular consequence: missense variant.
Genome position (GRCh38, 1-based): chr15:101,065,818, C>T. VCF-style: chr15-101065818-C-T. GRCh37 (hg19) VCF-style: chr15-101606023-C-T.
Other names: short protein forms T1794M.
Identifiers: ClinVar variation 1449460 (VCV001449460.5), dbSNP rs772559934, ClinGen allele CA7762130.

ClinVar aggregate classification (germline): Uncertain significance (1 of 4 stars; one submission).

Allele frequency attached by ClinVar (database versions not stated): gnomAD 0.00001; gnomAD exomes 0.00004 and 0.00021; TOPMed 0.00004; ExAC 0.00027.
gnomAD v4.1: 61 of 1,613,896 alleles (0.0038%); highest among the groups gnomAD compares: Admixed American, 0.082%; no homozygotes.

Submission:

Labcorp Genetics (formerly Invitae), Labcorp
Classification: Uncertain significance. Last evaluated: 2025-11-17. Review status: criteria provided, single submitter. Criteria: Invitae Variant Classification Sherloc (09022015). Collection method: clinical testing. Allele origin: germline.
Comment: This sequence change replaces threonine, which is neutral and polar, with methionine, which is neutral and non-polar, at codon 1794 of the LRRK1 protein (p.Thr1794Met). This variant is present in population databases (rs772559934, gnomAD 0.1%). This variant has not been reported in the literature in individuals affected with LRRK1-related conditions. ClinVar contains an entry for this variant (Variation ID: 1449460). An algorithm developed to predict the effect of missense changes on protein structure and function outputs the following: PolyPhen-2: "Benign". The methionine amino acid residue is found in multiple mammalian species, which suggests that this missense change does not adversely affect protein function. In summary, the available evidence is currently insufficient to determine the role of this variant in disease. Therefore, it has been classified as a Variant of Uncertain Significance.